The following is an entry in ClinVar:

ClinVar aggregate classification (germline): Pathogenic. Review status: criteria provided, single submitter (1 of 4 stars). 3 submissions from 2 submitters: Pathogenic (1). 2 of the submissions do not count toward it. Last evaluated 2024-09-03.

Conditions:
Lymphangiomyomatosis (LAM). Also called: Lymphangioleiomyomatosis; Lymphangioleiomyomatosis, somatic. Identifiers: Orphanet 538, MedGen C0751674, MONDO:0011705, OMIM 606690.
Tuberous sclerosis syndrome (TSC). Also called: Tuberous Sclerosis Complex; Tuberous sclerosis. Identifiers: Orphanet 805, MedGen C0041341, MONDO:0001734.
Tuberous sclerosis 2 (TSC2). Identifiers: Orphanet 805, MedGen C1860707, MONDO:0013199, OMIM 613254.

Submissions (3):

Labcorp Genetics (formerly Invitae), Labcorp
Classification: Pathogenic for Tuberous sclerosis 2. Last evaluated: 2024-09-03. Review status: criteria provided, single submitter. Criteria: Invitae Variant Classification Sherloc (09022015). Collection method: clinical testing. Allele origin: germline.
Comment: This sequence change creates a premature translational stop signal (p.Trp703*) in the TSC2 gene. It is expected to result in an absent or disrupted protein product. Loss-of-function variants in TSC2 are known to be pathogenic (PMID: 10205261, 17304050). This variant is not present in population databases (gnomAD no frequency). This premature translational stop signal has been observed in individual(s) with tuberous sclerosis complex (PMID: 10205261). ClinVar contains an entry for this variant (Variation ID: 49737). Algorithms developed to predict the effect of sequence changes on RNA splicing suggest that this variant may disrupt the consensus splice site. For these reasons, this variant has been classified as Pathogenic.

Tuberous sclerosis database (TSC2)
No classification provided. Condition: TSC. Review status: no classification provided. Criteria: Tuberous Sclerosis Database Assertion Criteria 2015. Collection method: curation. Allele origin: germline. Affected: yes. Not counted in ClinVar's aggregate classification.

Tuberous sclerosis database (TSC2)
No classification provided. Condition: TSC; LAM. Review status: no classification provided. Criteria: Tuberous Sclerosis Database Assertion Criteria 2015. Collection method: curation. Allele origin: germline. Affected: yes. Not counted in ClinVar's aggregate classification.

Literature cited by the submitters: PubMed 10205261 (cited by Labcorp Genetics (formerly Invitae), Labcorp); PubMed 17304050 (cited by Labcorp Genetics (formerly Invitae), Labcorp).

NM_000548.5(TSC2):c.2109G>A (p.Trp703Ter)

Gene: TSC2 (TSC complex subunit 2; plus strand). Cytogenetic location: 16p13.3.
Variant type: single nucleotide variant.
Coding change: c.2109G>A on transcript NM_000548.5 (MANE Select); coding-DNA position 2109, G replaced by A.
Protein change: p.Trp703Ter; replaces tryptophan 703 with a stop codon.
Molecular consequence: nonsense.
Genome position (GRCh38, 1-based): chr16:2,072,252, G>A. VCF-style: chr16-2072252-G-A. GRCh37 (hg19) VCF-style: chr16-2122253-G-A.
Other names: c.2109G>A, p.Trp703Ter (NM_001077183.3, NM_001114382.3, NM_001363528.2 and 3 more transcripts); c.1998G>A, p.Trp666Ter (NM_001318827.2); c.1962G>A, p.Trp654Ter (NM_001318829.2); c.1509G>A, p.Trp503Ter (NM_001318831.2); c.2142G>A, p.Trp714Ter (NM_001318832.2); short protein forms W703*, W654*, W666*, W503*, W714*.
Identifiers: ClinVar variation 49737 (VCV000049737.4), dbSNP rs45462192, ClinGen allele CA016786.